The following is an entry in ClinVar:

NM_052947.4(ALPK2):c.661A>G (p.Ser221Gly)

Gene: ALPK2 (alpha kinase 2; minus strand). Cytogenetic location: 18q21.31.
Variant type: single nucleotide variant.
Coding change: c.661A>G on transcript NM_052947.4 (MANE Select); coding-DNA position 661, A replaced by G.
Protein change: p.Ser221Gly; replaces serine 221 with glycine.
Molecular consequence: missense variant.
Genome position (GRCh38, 1-based): chr18:58,580,115, T>C on the plus strand (A>G on the coding strand, the complement: ALPK2 is on the minus strand). VCF-style: chr18-58580115-T-C. GRCh37 (hg19) VCF-style: chr18-56247347-T-C.
Other names: short protein forms S221G.
Identifiers: ClinVar variation 1754502 (VCV001754502.2), dbSNP rs2518899991, ClinGen allele CA402567495.

ClinVar aggregate classification (germline): Uncertain significance (1 of 4 stars; one submission).

Submission:

Ambry Genetics
Classification: Uncertain significance. Last evaluated: 2022-02-01. Review status: criteria provided, single submitter. Criteria: Ambry Variant Classification Scheme 2023. Collection method: clinical testing. Allele origin: germline.
Comment: The p.S221G variant (also known as c.661A>G), located in coding exon 3 of the ALPK2 gene, results from an A to G substitution at nucleotide position 661. The serine at codon 221 is replaced by glycine, an amino acid with similar properties. This amino acid position is conserved. In addition, this alteration is predicted to be tolerated by in silico analysis. Since supporting evidence is limited at this time, the clinical significance of this alteration remains unclear.